The following is an entry in ClinVar:

ClinVar aggregate classification (germline): Uncertain significance. Review status: criteria provided, multiple submitters, no conflicts (2 of 4 stars). 2 submissions from 2 submitters: Uncertain significance (2). Last evaluated 2024-10-01.

Conditions:
Inborn genetic diseases. Identifiers: MedGen C0950123, MeSH D030342.

Allele frequency attached by ClinVar (database versions not stated): gnomAD 0.00003; gnomAD exomes 0.00004; TOPMed 0.00005; ESP Exome Variant Server 0.00008.
gnomAD v4.1: 60 of 1,614,068 alleles (0.0037%); highest among the groups gnomAD compares: Non-Finnish European, 0.0047%; no homozygotes.

Submissions (2):

Ambry Genetics
Classification: Uncertain significance for Inborn genetic diseases. Last evaluated: 2024-10-01. Review status: criteria provided, single submitter. Criteria: Ambry Variant Classification Scheme 2023. Collection method: clinical testing. Allele origin: germline.

Labcorp Genetics (formerly Invitae), Labcorp
Classification: Uncertain significance. Last evaluated: 2024-05-28. Review status: criteria provided, single submitter. Criteria: Invitae Variant Classification Sherloc (09022015). Collection method: clinical testing. Allele origin: germline.
Comment: This sequence change replaces glycine, which is neutral and non-polar, with glutamic acid, which is acidic and polar, at codon 133 of the FAM111A protein (p.Gly133Glu). This variant is present in population databases (rs374319106, gnomAD 0.005%). This variant has not been reported in the literature in individuals affected with FAM111A-related conditions. ClinVar contains an entry for this variant (Variation ID: 2221663). Advanced modeling of protein sequence and biophysical properties (such as structural, functional, and spatial information, amino acid conservation, physicochemical variation, residue mobility, and thermodynamic stability) performed at Invitae indicates that this missense variant is not expected to disrupt FAM111A protein function with a negative predictive value of 80%. In summary, the available evidence is currently insufficient to determine the role of this variant in disease. Therefore, it has been classified as a Variant of Uncertain Significance.

NM_001312909.2(FAM111A):c.398G>A (p.Gly133Glu)

Gene: FAM111A (FAM111 trypsin like peptidase A; plus strand). Cytogenetic location: 11q12.1.
Variant type: single nucleotide variant.
Coding change: c.398G>A on transcript NM_001312909.2 (MANE Select); coding-DNA position 398, G replaced by A.
Protein change: p.Gly133Glu; replaces glycine 133 with glutamic acid.
Molecular consequence: missense variant.
Genome position (GRCh38, 1-based): chr11:59,152,066, G>A. VCF-style: chr11-59152066-G-A. GRCh37 (hg19) VCF-style: chr11-58919539-G-A.
Other names: c.398G>A, p.Gly133Glu (NM_001374866.1, NM_001374867.1, NM_001374868.1 and 29 more transcripts); short protein forms G133E.
Identifiers: ClinVar variation 2221663 (VCV002221663.6), dbSNP rs374319106, ClinGen allele CA223177200.